The following is an entry in ClinVar:

ClinVar aggregate classification (germline): Uncertain significance. Review status: criteria provided, multiple submitters, no conflicts (2 of 4 stars). 3 submissions from 3 submitters: Uncertain significance (3). Last evaluated 2026-04-05.

Conditions:
CREBBP-related disorder. Also called: CREBBP-related condition; CREBBP-related disorders.
Rubinstein-Taybi syndrome (RSTS). Identifiers: Orphanet 783, MedGen C0035934, MONDO:0019188.
Inborn genetic diseases. Identifiers: MedGen C0950123, MeSH D030342.

Allele frequency attached by ClinVar (database versions not stated): gnomAD exomes below 0.00001.
gnomAD v4.1: 2 of 1,612,696 alleles (0.00012%); highest among the groups gnomAD compares: Non-Finnish European, 0.00017%; no homozygotes.

Submissions (3):

PreventionGenetics, part of Exact Sciences
Classification: Uncertain significance for CREBBP-related condition. Last evaluated: 2026-04-05. Review status: criteria provided, single submitter. Criteria: ACMG Guidelines, 2015. Collection method: clinical testing. Allele origin: germline.
Comment: The CREBBP c.44C>G variant is predicted to result in the amino acid substitution p.Ala15Gly. To our knowledge, this variant has not been reported in the literature or in a large population database (gnomAD), indicating this variant is rare. At this time, the clinical significance of this variant is uncertain due to the absence of conclusive functional and genetic evidence.

Labcorp Genetics (formerly Invitae), Labcorp
Classification: Uncertain significance for Rubinstein-Taybi syndrome. Last evaluated: 2025-12-16. Review status: criteria provided, single submitter. Criteria: Invitae Variant Classification Sherloc (09022015). Collection method: clinical testing. Allele origin: germline.
Comment: This sequence change replaces alanine, which is neutral and non-polar, with glycine, which is neutral and non-polar, at codon 15 of the CREBBP protein (p.Ala15Gly). This variant is not present in population databases (gnomAD no frequency). This variant has not been reported in the literature in individuals affected with CREBBP-related conditions. ClinVar contains an entry for this variant (Variation ID: 1741026). Invitae Evidence Modeling of protein sequence and biophysical properties (such as structural, functional, and spatial information, amino acid conservation, physicochemical variation, residue mobility, and thermodynamic stability) indicates that this missense variant is not expected to disrupt CREBBP protein function with a negative predictive value of 95%. In summary, the available evidence is currently insufficient to determine the role of this variant in disease. Therefore, it has been classified as a Variant of Uncertain Significance.

Ambry Genetics
Classification: Uncertain significance for Inborn genetic diseases. Last evaluated: 2017-10-20. Review status: criteria provided, single submitter. Criteria: Ambry Variant Classification Scheme 2023. Collection method: clinical testing. Allele origin: germline.
Comment: The p.A15G variant (also known as c.44C>G), located in coding exon 1 of the CREBBP gene, results from a C to G substitution at nucleotide position 44. The alanine at codon 15 is replaced by glycine, an amino acid with similar properties. This amino acid position is well conserved in available vertebrate species. In addition, this alteration is predicted to be tolerated by in silico analysis. Since supporting evidence is limited at this time, the clinical significance of this alteration remains unclear.

NM_004380.3(CREBBP):c.44C>G (p.Ala15Gly)

Genes: CREBBP (CREB binding lysine acetyltransferase; minus strand), LOC130058357 (ATAC-STARR-seq lymphoblastoid silent region 7141; plus strand). Cytogenetic location: 16p13.3.
Variant type: single nucleotide variant.
Coding change: c.44C>G on transcript NM_004380.3 (MANE Select); coding-DNA position 44, C replaced by G.
Protein change: p.Ala15Gly; replaces alanine 15 with glycine.
Molecular consequence: missense variant.
Genome position (GRCh38, 1-based): chr16:3,879,873, G>C on the plus strand (C>G on the coding strand, the complement: CREBBP is on the minus strand). VCF-style: chr16-3879873-G-C. GRCh37 (hg19) VCF-style: chr16-3929874-G-C.
Other names: c.44C>G, p.Ala15Gly (NM_001079846.1); short protein forms A15G.
Identifiers: ClinVar variation 1741026 (VCV001741026.6), dbSNP rs1439032753, ClinGen allele CA394567844.